The following is an entry in ClinVar:

NM_015404.4(WHRN):c.2189A>G (p.Asp730Gly)

Gene: WHRN (whirlin; minus strand). Cytogenetic location: 9q32.
Variant type: single nucleotide variant.
Coding change: c.2189A>G on transcript NM_015404.4 (MANE Select); coding-DNA position 2189, A replaced by G.
Protein change: p.Asp730Gly; replaces aspartic acid 730 with glycine.
Molecular consequence: missense variant.
Genome position (GRCh38, 1-based): chr9:114,406,402, T>C on the plus strand (A>G on the coding strand, the complement: WHRN is on the minus strand). VCF-style: chr9-114406402-T-C. GRCh37 (hg19) VCF-style: chr9-117168682-T-C.
Other names: c.1040A>G, p.Asp347Gly (NM_001083885.3); c.2189A>G, p.Asp730Gly (NM_001173425.2); c.1136A>G, p.Asp379Gly (NM_001346890.1); short protein forms D347G, D379G, D730G.
Identifiers: ClinVar variation 1329696 (VCV001329696.6), dbSNP rs772190770, ClinGen allele CA5205723.

ClinVar aggregate classification (germline): Uncertain significance. Review status: criteria provided, multiple submitters, no conflicts (2 of 4 stars). 3 submissions from 3 submitters: Uncertain significance (3). Last evaluated 2024-03-16.

Allele frequency attached by ClinVar (database versions not stated): gnomAD exomes below 0.00001 and 0.00001; TOPMed below 0.00001; ExAC 0.00001.
gnomAD v4.1: 3 of 1,614,150 alleles (0.00019%); highest among the groups gnomAD compares: Admixed American, 0.0033%; no homozygotes.

Submissions (3):

Labcorp Genetics (formerly Invitae), Labcorp
Classification: Uncertain significance. Last evaluated: 2024-03-16. Review status: criteria provided, single submitter. Criteria: Invitae Variant Classification Sherloc (09022015). Collection method: clinical testing. Allele origin: germline.
Comment: This sequence change replaces aspartic acid, which is acidic and polar, with glycine, which is neutral and non-polar, at codon 730 of the WHRN protein (p.Asp730Gly). This variant is present in population databases (rs772190770, gnomAD 0.003%). This variant has not been reported in the literature in individuals affected with WHRN-related conditions. ClinVar contains an entry for this variant (Variation ID: 1329696). An algorithm developed to predict the effect of missense changes on protein structure and function (PolyPhen-2) suggests that this variant¬†is likely to be tolerated. In summary, the available evidence is currently insufficient to determine the role of this variant in disease. Therefore, it has been classified as a Variant of Uncertain Significance.

GeneDx
Classification: Uncertain significance. Last evaluated: 2021-06-21. Review status: criteria provided, single submitter. Criteria: GeneDx Variant Classification Process June 2021. Collection method: clinical testing. Allele origin: germline. Affected: yes.
Comment: Not observed at significant frequency in large population cohorts (Lek et al., 2016); In silico analysis supports that this missense variant does not alter protein structure/function; Has not been previously published as pathogenic or benign to our knowledge; This variant is associated with the following publications: (PMID: 27535533)

Blueprint Genetics
Classification: Uncertain significance. Last evaluated: 2021-05-28. Review status: criteria provided, single submitter. Criteria: ACMG Guidelines, 2015. Collection method: clinical testing. Allele origin: germline.